The following is an entry in ClinVar:

NM_000551.3(VHL):c.-77C>T

Gene: VHL (von Hippel-Lindau tumor suppressor; plus strand). Cytogenetic location: 3p25.3.
Variant type: single nucleotide variant.
Coding change: c.-77C>T on transcript NM_000551.3; 77 bases upstream of the start codon, C replaced by T.
Genome position (GRCh38, 1-based): chr3:10,141,771, C>T. VCF-style: chr3-10141771-C-T. GRCh37 (hg19) VCF-style: chr3-10183455-C-T.
Identifiers: ClinVar variation 256649 (VCV000256649.9), dbSNP rs3087462, ClinGen allele CA10586842.

ClinVar aggregate classification (germline): Benign/Likely benign. Review status: criteria provided, multiple submitters, no conflicts (2 of 4 stars). 3 submissions from 3 submitters: Benign (2); Likely benign (1). Last evaluated 2018-03-23.

Conditions:
Von Hippel-Lindau syndrome (VHLS). Also called: von Hippel–Lindau syndrome; VHL syndrome; Von Hippel-Lindau. Identifiers: Orphanet 892, MedGen C0019562, MONDO:0008667, OMIM 193300. Disease mechanism: loss of function.

Allele frequency attached by ClinVar (database versions not stated): gnomAD 0.02828 and 0.02633; 1000 Genomes Project 0.02855; 1000 Genomes Project 30x 0.03107; TOPMed 0.03060; gnomAD exomes 0.00237.

Submissions (3):

PreventionGenetics, part of Exact Sciences
Classification: Benign. Last evaluated: 2018-03-23. Review status: criteria provided, single submitter. Criteria: ACMG Guidelines, 2015. Collection method: clinical testing. Allele origin: germline.

Illumina Laboratory Services, Illumina
Classification: Likely benign for Von Hippel-Lindau syndrome. Last evaluated: 2018-02-02. Review status: criteria provided, single submitter. Criteria: ICSL Variant Classification Criteria 13 December 2019. Collection method: clinical testing. Allele origin: germline.
Comment: This variant was observed as part of a predisposition screen in an ostensibly healthy population. A literature search was performed for the gene, cDNA change, and amino acid change (where applicable). No publications were found based on this search. Allele frequency data from public databases allowed determination this variant is unlikely to cause disease. Therefore, this variant is classified as likely benign.

GeneDx
Classification: Benign. Last evaluated: 2015-03-03. Review status: criteria provided, single submitter. Criteria: GeneDx Variant Classification Process June 2021. Collection method: clinical testing. Allele origin: germline. Affected: yes.